The following is an entry in ClinVar:

ClinVar aggregate classification (germline): Uncertain significance (1 of 4 stars; one submission).

Allele frequency attached by ClinVar (database versions not stated): ExAC 0.00001; gnomAD 0.00001.
gnomAD v4.1: 1 of 1,613,920 alleles (0.000062%); highest among the groups gnomAD compares: Admixed American, 0.0017%; no homozygotes.

Submission:

Mayo Clinic Laboratories, Mayo Clinic
Classification: Uncertain significance. Last evaluated: 2022-03-09. Review status: criteria provided, single submitter. Criteria: ACMG Guidelines, 2015. Collection method: clinical testing. Allele origin: germline. Observed: 1 variant allele.
Comment: PP3, PM2

NM_005548.3(KARS1):c.1271A>G (p.Asp424Gly)

Gene: KARS1 (lysyl-tRNA synthetase 1; minus strand). Cytogenetic location: 16q23.1.
Variant type: single nucleotide variant.
Coding change: c.1271A>G on transcript NM_005548.3 (MANE Select); coding-DNA position 1271, A replaced by G.
Protein change: p.Asp424Gly; replaces aspartic acid 424 with glycine.
Molecular consequence: missense variant.
Genome position (GRCh38, 1-based): chr16:75,631,235, T>C on the plus strand (A>G on the coding strand, the complement: KARS1 is on the minus strand). VCF-style: chr16-75631235-T-C. GRCh37 (hg19) VCF-style: chr16-75665133-T-C.
Other names: p.Asp452Gly; c.1355A>G, p.Asp452Gly (NM_001130089.2); c.803A>G, p.Asp268Gly (NM_001378148.1); short protein forms D268G, D424G, D452G.
Identifiers: ClinVar variation 2683792 (VCV002683792.1), dbSNP rs746198033, ClinGen allele CA8177323.